The following is an entry in ClinVar:

ClinVar aggregate classification (germline): Uncertain significance (1 of 4 stars; one submission).

Submission:

Ambry Genetics
Classification: Uncertain significance. Last evaluated: 2026-05-26. Review status: criteria provided, single submitter. Criteria: Ambry Variant Classification Scheme 2023. Collection method: clinical testing. Allele origin: germline.
Comment: The p.N1208S variant (also known as c.3623A>G), located in coding exon 13 of the CDK12 gene, results from an A to G substitution at nucleotide position 3623. The asparagine at codon 1208 is replaced by serine, an amino acid with highly similar properties. This amino acid position is conserved. In addition, this alteration is predicted to be tolerated by in silico analysis. Based on the available evidence, the clinical significance of this variant remains unclear.

NM_016507.4(CDK12):c.3623A>G (p.Asn1208Ser)

Gene: CDK12 (cyclin dependent kinase 12; plus strand). Cytogenetic location: 17q12.
Variant type: single nucleotide variant.
Coding change: c.3623A>G on transcript NM_016507.4 (MANE Select); coding-DNA position 3623, A replaced by G.
Protein change: p.Asn1208Ser; replaces asparagine 1208 with serine.
Molecular consequence: missense variant.
Genome position (GRCh38, 1-based): chr17:39,526,179, A>G. VCF-style: chr17-39526179-A-G. GRCh37 (hg19) VCF-style: chr17-37682432-A-G.
Other names: c.3623A>G, p.Asn1208Ser (NM_015083.4); short protein forms N1208S.
Identifiers: ClinVar variation 4868560 (VCV004868560.1).
Genomic context (GRCh38, chr17:39,526,179, plus strand): 5'-TCCTGCCTTCAGCAGAACAGACGACCCTTGAAGCTTCAAGCACACCAGCTGACATGCAGA[A>G]TATATTGGCAGTTCTCTTGAGTCAGCTGATGAAAACCCAAGAGCCAGCAGGCAGTCTGGA-3'
Protein context (NP_057591.2, residues 1198-1218): EASSTPADMQ[Asn1208Ser]ILAVLLSQLM